The following is an entry in ClinVar:

NC_000007.14:g.(?_147132225)_(147132529_?)del

Gene: CNTNAP2 (contactin associated protein 2; plus strand). Cytogenetic location: 7q35.
Variant type: Deletion.
Identifiers: ClinVar variation 648528 (VCV000648528.8).

ClinVar aggregate classification (germline): Pathogenic (1 of 4 stars; one submission).

Conditions:
Cortical dysplasia-focal epilepsy syndrome (PTHSL1). Also called: Pitt-Hopkins-like syndrome 1. Identifiers: Orphanet 163681, Orphanet 221150, MedGen C2750246, MONDO:0012400, OMIM 610042.

Submission:

Labcorp Genetics (formerly Invitae), Labcorp
Classification: Pathogenic for Cortical dysplasia-focal epilepsy syndrome. Last evaluated: 2022-12-02. Review status: criteria provided, single submitter. Criteria: Invitae Variant Classification Sherloc (09022015). Collection method: clinical testing. Allele origin: germline.
Comment: For these reasons, this variant has been classified as Pathogenic. This variant has not been reported in the literature in individuals affected with CNTNAP2-related conditions. This variant is a gross deletion of the genomic region encompassing exon(s) 8 of the CNTNAP2 gene. This deletion is out-of-frame, and is expected to create a premature termination codon and result in an absent or disrupted protein product. Loss-of-function variants in CNTNAP2 are known to be pathogenic (PMID: 19896112, 21827697, 25045150, 26843181, 27439707).

Literature cited by the submitters: PubMed 19896112; PubMed 21827697; PubMed 25045150; PubMed 26843181; PubMed 27439707.